The following is an entry in ClinVar:

NM_001372.4(DNAH9):c.9954A>T (p.Ala3318=)

Gene: DNAH9 (dynein axonemal heavy chain 9; plus strand). Cytogenetic location: 17p12.
Variant type: single nucleotide variant.
Coding change: c.9954A>T on transcript NM_001372.4 (MANE Select); coding-DNA position 9954, A replaced by T.
Protein change: p.Ala3318=; no amino-acid change (alanine 3318 retained).
Molecular consequence: synonymous variant.
Genome position (GRCh38, 1-based): chr17:11,869,154, A>T. VCF-style: chr17-11869154-A-T. GRCh37 (hg19) VCF-style: chr17-11772471-A-T.
Identifiers: ClinVar variation 5040302 (VCV005040302.1).

ClinVar aggregate classification (germline): Likely benign (1 of 4 stars; one submission).

Submission:

CeGaT Center for Human Genetics Tuebingen
Classification: Likely benign. Last evaluated: 2026-07-01. Review status: criteria provided, single submitter. Criteria: CeGaT Center For Human Genetics Tuebingen Variant Classification Criteria Version 2. Collection method: clinical testing. Allele origin: germline. Affected: yes. Observed: 1 variant allele.
Comment: DNAH9: PM2:Supporting, BP4, BP7